The following is an entry in ClinVar:

ClinVar aggregate classification (germline): Uncertain significance (1 of 4 stars; one submission).

Conditions:
Epidermodysplasia verruciformis. Identifiers: Orphanet 302, MedGen C0014522, MONDO:0009176.

Submission:

Labcorp Genetics (formerly Invitae), Labcorp
Classification: Uncertain significance for Epidermodysplasia verruciformis. Last evaluated: 2021-12-28. Review status: criteria provided, single submitter. Criteria: Invitae Variant Classification Sherloc (09022015). Collection method: clinical testing. Allele origin: germline.
Comment: In summary, the available evidence is currently insufficient to determine the role of this variant in disease. Therefore, it has been classified as a Variant of Uncertain Significance. Experimental studies and prediction algorithms are not available or were not evaluated, and the functional significance of this variant is currently unknown. This variant has not been reported in the literature in individuals affected with TMC6-related conditions. This variant is not present in population databases (gnomAD no frequency). This variant, c.1677_1679del, results in the deletion of 1 amino acid(s) of the TMC6 protein (p.Met560del), but otherwise preserves the integrity of the reading frame.

NM_001127198.5(TMC6):c.1677_1679del (p.Met560del)

Gene: TMC6 (transmembrane channel like 6; minus strand). Cytogenetic location: 17q25.3.
Variant type: Deletion.
Coding change: c.1677_1679del on transcript NM_001127198.5 (MANE Select); coding-DNA positions 1677 to 1679, 3 bases deleted (CAT; older notation c.1677_1679delCAT).
Protein change: p.Met560del; deletes methionine 560.
Molecular consequence: inframe deletion. On other transcripts: non-coding transcript variant (4), intron variant (2).
Genome position (GRCh38, 1-based): chr17:78,120,689-78,120,691, ATG deleted on the plus strand (CAT on the coding strand, the reverse complement: TMC6 is on the minus strand); deleting any 3 consecutive bases within chr17:78,120,689-78,120,692 gives the same sequence; the c. name uses the placement nearest the transcript's 3' end. VCF-style (leftmost placement, unchanged base first): chr17-78120688-CATG-C. GRCh37 (hg19) VCF-style: chr17-76116769-CATG-C.
Other names: c.1677_1679del, p.Met560del (NM_001321185.1, NM_001374596.1, NM_001375353.1 and 2 more transcripts); c.1535+322_1535+324del (NM_001374594.1, NM_001374593.1); short protein forms M560del.
Identifiers: ClinVar variation 2199894 (VCV002199894.4), dbSNP rs1567991769, ClinGen allele CA914210844.
Genomic context (GRCh38, chr17:78,120,688, plus strand): 5'-CCCAGTCCGCCCAGGACCCCCTCACCTCCACACCAGTTCCCCAAAAAGCGTGTCCAGCAA[CATG>C]AGGACGAAGTCCATCACCAGGAACCGGTACAGCTCCTGGCCCACAAAATCCTCCCAGCAC-3'